The following is an entry in ClinVar:

ClinVar aggregate classification (germline): Benign/Likely benign. Review status: criteria provided, multiple submitters, no conflicts (2 of 4 stars). 4 submissions from 4 submitters: Benign (1); Likely benign (3). Last evaluated 2025-10-07.

Conditions:
Hereditary cancer-predisposing syndrome. Also called: Neoplastic Syndromes, Hereditary; Hereditary neoplastic syndrome; Tumor predisposition; Hereditary Cancer Syndrome. Identifiers: Orphanet 140162, MedGen C0027672, MeSH D009386, MONDO:0015356.
Tuberous sclerosis 2 (TSC2). Identifiers: Orphanet 805, MedGen C1860707, MONDO:0013199, OMIM 613254.

Allele frequency attached by ClinVar (database versions not stated): gnomAD exomes below 0.00001; ExAC 0.00001.
gnomAD v4.1: 2 of 1,611,764 alleles (0.00012%); highest among the groups gnomAD compares: Admixed American, 0.0017%; no homozygotes.

Submissions (4):

Labcorp Genetics (formerly Invitae), Labcorp
Classification: Likely benign for Tuberous sclerosis 2. Last evaluated: 2025-10-07. Review status: criteria provided, single submitter. Criteria: Invitae Variant Classification Sherloc (09022015). Collection method: clinical testing. Allele origin: germline.

Myriad Genetics, Inc.
Classification: Benign for Tuberous sclerosis 2. Last evaluated: 2025-05-13. Review status: criteria provided, single submitter. Criteria: Myriad Autosomal Dominant, Autosomal Recessive and X-Linked Classification Criteria (2023). Collection method: clinical testing. Allele origin: unknown.
Comment: This variant is considered benign. This variant is a silent/synonymous amino acid change and it is not expected to impact splicing.

Sema4
Classification: Likely benign for Hereditary cancer-predisposing syndrome. Last evaluated: 2021-12-22. Review status: criteria provided, single submitter. Criteria: Sema4 Curation Guidelines. Collection method: curation. Allele origin: germline.

Ambry Genetics
Classification: Likely benign for Hereditary cancer-predisposing syndrome. Last evaluated: 2019-09-03. Review status: criteria provided, single submitter. Criteria: Ambry Variant Classification Scheme 2023. Collection method: clinical testing. Allele origin: germline.

NM_000548.5(TSC2):c.1278G>A (p.Leu426=)

Gene: TSC2 (TSC complex subunit 2; plus strand). Cytogenetic location: 16p13.3.
Variant type: single nucleotide variant.
Coding change: c.1278G>A on transcript NM_000548.5 (MANE Select); coding-DNA position 1278, G replaced by A.
Protein change: p.Leu426=; no amino-acid change (leucine 426 retained).
Molecular consequence: synonymous variant.
Genome position (GRCh38, 1-based): chr16:2,062,517, G>A. VCF-style: chr16-2062517-G-A. GRCh37 (hg19) VCF-style: chr16-2112518-G-A.
Other names: c.1278G>A, p.Leu426= (NM_001077183.3, NM_001114382.3, NM_001363528.2 and 3 more transcripts); c.1167G>A, p.Leu389= (NM_001318827.2); c.1131G>A, p.Leu377= (NM_001318829.2); c.678G>A, p.Leu226= (NM_001318831.2); c.1311G>A, p.Leu437= (NM_001318832.2).
Identifiers: ClinVar variation 1133911 (VCV001133911.13), dbSNP rs749771063, ClinGen allele CA029131.